The following is an entry in ClinVar:

NM_001961.4(EEF2):c.1574A>C (p.Lys525Thr)

Gene: EEF2 (eukaryotic translation elongation factor 2; minus strand). Cytogenetic location: 19p13.3.
Variant type: single nucleotide variant.
Coding change: c.1574A>C on transcript NM_001961.4 (MANE Select); coding-DNA position 1574, A replaced by C.
Protein change: p.Lys525Thr; replaces lysine 525 with threonine.
Molecular consequence: missense variant.
Genome position (GRCh38, 1-based): chr19:3,979,839, T>G on the plus strand (A>C on the coding strand, the complement: EEF2 is on the minus strand). VCF-style: chr19-3979839-T-G. GRCh37 (hg19) VCF-style: chr19-3979837-T-G.
Other names: short protein forms K525T.
Identifiers: ClinVar variation 4755883 (VCV004755883.1).

ClinVar aggregate classification (germline): Uncertain significance (1 of 4 stars; one submission).

Submission:

GeneDx
Classification: Uncertain significance. Last evaluated: 2025-07-30. Review status: criteria provided, single submitter. Criteria: GeneDx Variant Classification Process June 2021. Collection method: clinical testing. Allele origin: germline. Affected: yes.
Comment: Not observed at significant frequency in large population cohorts (gnomAD); In silico analysis supports that this missense variant has a deleterious effect on protein structure/function; Has not been previously published as pathogenic or benign to our knowledge